The following is an entry in ClinVar:

ClinVar aggregate classification (germline): Uncertain significance (1 of 4 stars; one submission).

gnomAD v4.1: 9 of 1,586,194 alleles (0.00057%); highest among the groups gnomAD compares: Non-Finnish European, 0.00078%; no homozygotes.

Submission:

Labcorp Genetics (formerly Invitae), Labcorp
Classification: Uncertain significance. Last evaluated: 2021-01-13. Review status: criteria provided, single submitter. Criteria: Invitae Variant Classification Sherloc (09022015). Collection method: clinical testing. Allele origin: germline.
Comment: This sequence change replaces glycine with serine at codon 5023 of the PCLO protein (p.Gly5023Ser). The glycine residue is weakly conserved and there is a small physicochemical difference between glycine and serine. This variant is not present in population databases (ExAC no frequency). In summary, the available evidence is currently insufficient to determine the role of this variant in disease. Therefore, it has been classified as a Variant of Uncertain Significance. Algorithms developed to predict the effect of missense changes on protein structure and function are either unavailable or do not agree on the potential impact of this missense change (SIFT: "Deleterious"; PolyPhen-2: "Not Available"; Align-GVGD: "Class C0"). This variant has not been reported in the literature in individuals with PCLO-related conditions.

NM_033026.6(PCLO):c.15067G>A (p.Gly5023Ser)

Gene: PCLO (piccolo presynaptic cytomatrix protein; minus strand). Cytogenetic location: 7q21.11.
Variant type: single nucleotide variant.
Coding change: c.15067G>A on transcript NM_033026.6 (MANE Select); coding-DNA position 15067, G replaced by A.
Protein change: p.Gly5023Ser; replaces glycine 5023 with serine.
Molecular consequence: missense variant.
Genome position (GRCh38, 1-based): chr7:82,761,434, C>T on the plus strand (G>A on the coding strand, the complement: PCLO is on the minus strand). VCF-style: chr7-82761434-C-T. GRCh37 (hg19) VCF-style: chr7-82390750-C-T.
Other names: short protein forms G5023S.
Identifiers: ClinVar variation 1506871 (VCV001506871.8), dbSNP rs1056519956, ClinGen allele CA161686548.